The following is an entry in ClinVar:

ClinVar aggregate classification (germline): Benign. Review status: criteria provided, multiple submitters, no conflicts (2 of 4 stars). 4 submissions from 4 submitters: Benign (4). Last evaluated 2026-04-06.

Conditions:
Ehlers-Danlos syndrome, musculocontractural type 2 (EDSMC2). Identifiers: Orphanet 2953, MedGen C3809845, MONDO:0014236, OMIM 615539.

Allele frequency attached by ClinVar (database versions not stated): 1000 Genomes Project 0.00539; gnomAD 0.00553 and 0.00515; TOPMed 0.00555; ESP Exome Variant Server 0.00823; 1000 Genomes Project 30x 0.00531.
gnomAD v4.1: 1,503 of 1,614,106 alleles (0.093%); highest among the groups gnomAD compares: African/African-American, 1.7%; 18 homozygotes.

Submissions (4):

Women's Health and Genetics/Laboratory Corporation of America, LabCorp
Classification: Benign. Last evaluated: 2026-04-06. Review status: criteria provided, single submitter. Criteria: LabCorp Variant Classification Summary - May 2015. Collection method: clinical testing. Allele origin: germline.

Labcorp Genetics (formerly Invitae), Labcorp
Classification: Benign for Ehlers-Danlos syndrome, musculocontractural type 2. Last evaluated: 2026-01-31. Review status: criteria provided, single submitter. Criteria: Invitae Variant Classification Sherloc (09022015). Collection method: clinical testing. Allele origin: germline.

Mayo Clinic Laboratories, Mayo Clinic
Classification: Benign. Last evaluated: 2024-12-17. Review status: criteria provided, single submitter. Criteria: ACMG Guidelines, 2015. Collection method: clinical testing. Allele origin: germline. Observed: 4 variant alleles.
Comment: BS1, BS2, BP4, BP7

GeneDx
Classification: Benign. Last evaluated: 2018-05-08. Review status: criteria provided, single submitter. Criteria: GeneDx Variant Classification Process June 2021. Collection method: clinical testing. Allele origin: germline. Affected: yes.

NM_013352.4(DSE):c.114C>T (p.Ala38=)

Gene: DSE (dermatan sulfate epimerase; plus strand). Cytogenetic location: 6q22.1.
Variant type: single nucleotide variant.
Coding change: c.114C>T on transcript NM_013352.4 (MANE Select); coding-DNA position 114, C replaced by T.
Protein change: p.Ala38=; no amino-acid change (alanine 38 retained).
Molecular consequence: synonymous variant. On other transcripts: 5 prime UTR variant (4), non-coding transcript variant (1).
Genome position (GRCh38, 1-based): chr6:116,399,364, C>T. VCF-style: chr6-116399364-C-T. GRCh37 (hg19) VCF-style: chr6-116720527-C-T.
Other names: p.Ala38=; c.114C>T, p.Ala38= (NM_001080976.3, NM_001322937.2, NM_001322938.2 and 3 more transcripts); c.171C>T, p.Ala57= (NM_001322939.2); c.-444C>T (NM_001322940.2, NM_001322941.2); c.-787C>T (NM_001374520.1); c.-474C>T (NM_001374521.1).
Identifiers: ClinVar variation 510458 (VCV000510458.16), dbSNP rs36061922, ClinGen allele CA3969465.